The following is an entry in ClinVar:

ClinVar aggregate classification (germline): Uncertain significance (1 of 4 stars; one submission).

Conditions:
Dilated cardiomyopathy 1G (CMD1G). Identifiers: Orphanet 154, MedGen C1858763, MONDO:0011400, OMIM 604145.
Autosomal recessive limb-girdle muscular dystrophy type 2J (LGMDR10). Also called: Limb-girdle muscular dystrophy, type 2J; MUSCULAR DYSTROPHY, LIMB-GIRDLE, AUTOSOMAL RECESSIVE 10. Identifiers: Orphanet 140922, MedGen C1837342, MONDO:0012127, OMIM 608807.

Allele frequency attached by ClinVar (database versions not stated): TOPMed below 0.00001.

Submission:

Labcorp Genetics (formerly Invitae), Labcorp
Classification: Uncertain significance for Dilated cardiomyopathy 1G; Autosomal recessive limb-girdle muscular dystrophy type 2J. Last evaluated: 2022-10-04. Review status: criteria provided, single submitter. Criteria: Invitae Variant Classification Sherloc (09022015). Collection method: clinical testing. Allele origin: germline.
Comment: This sequence change replaces proline, which is neutral and non-polar, with serine, which is neutral and polar, at codon 35273 of the TTN protein (p.Pro35273Ser). This variant is not present in population databases (gnomAD no frequency). This variant is located in the M band of TTN (PMID: 25589632). Variants in this region may be relevant for neuromuscular disorders, but have not been definitively shown to cause cardiomyopathy (PMID: 23975875). In summary, the available evidence is currently insufficient to determine the role of this variant in disease. Therefore, it has been classified as a Variant of Uncertain Significance. Algorithms developed to predict the effect of missense changes on protein structure and function output the following: SIFT: "Not Available"; PolyPhen-2: "Not Available"; Align-GVGD: "Not Available". The serine amino acid residue is found in multiple mammalian species, which suggests that this missense change does not adversely affect protein function. This variant has not been reported in the literature in individuals affected with TTN-related conditions.

Literature cited by the submitters: PubMed 25589632; PubMed 23975875.

NM_001267550.2(TTN):c.105817C>T (p.Pro35273Ser)

Genes: TTN (titin; minus strand), TTN-AS1 (TTN antisense RNA 1; plus strand), LOC129935183 (ATAC-STARR-seq lymphoblastoid active region 16808; plus strand). Cytogenetic location: 2q31.2.
Variant type: single nucleotide variant.
Coding change: c.105817C>T on transcript NM_001267550.2 (MANE Select); coding-DNA position 105817, C replaced by T.
Protein change: p.Pro35273Ser; replaces proline 35273 with serine.
Molecular consequence: missense variant.
Genome position (GRCh38, 1-based): chr2:178,530,798, G>A on the plus strand (C>T on the coding strand, the complement: TTN is on the minus strand). VCF-style: chr2-178530798-G-A. GRCh37 (hg19) VCF-style: chr2-179395525-G-A.
Other names: c.100894C>T, p.Pro33632Ser (NM_001256850.1); c.78622C>T, p.Pro26208Ser (NM_003319.4); c.98113C>T, p.Pro32705Ser (NM_133378.4); c.78997C>T, p.Pro26333Ser (NM_133432.3); c.79198C>T, p.Pro26400Ser (NM_133437.4); short protein forms P35273S, P33632S, P26208S, P32705S, P26333S, P26400S.
Identifiers: ClinVar variation 2034075 (VCV002034075.4), dbSNP rs1688780519, ClinGen allele CA349407682.